The following is an entry in ClinVar:

NM_024642.5(GALNT12):c.1571C>G (p.Thr524Ser)

Gene: GALNT12 (polypeptide N-acetylgalactosaminyltransferase 12; plus strand). Cytogenetic location: 9q22.33.
Variant type: single nucleotide variant.
Coding change: c.1571C>G on transcript NM_024642.5 (MANE Select); coding-DNA position 1571, C replaced by G.
Protein change: p.Thr524Ser; replaces threonine 524 with serine.
Molecular consequence: missense variant.
Genome position (GRCh38, 1-based): chr9:98,846,089, C>G. VCF-style: chr9-98846089-C-G. GRCh37 (hg19) VCF-style: chr9-101608371-C-G.
Other names: short protein forms T524S.
Identifiers: ClinVar variation 1047801 (VCV001047801.8), dbSNP rs1836407900, ClinGen allele CA374221837.

ClinVar aggregate classification (germline): Uncertain significance (1 of 4 stars; one submission).

Submission:

Labcorp Genetics (formerly Invitae), Labcorp
Classification: Uncertain significance. Last evaluated: 2020-05-26. Review status: criteria provided, single submitter. Criteria: Invitae Variant Classification Sherloc (09022015). Collection method: clinical testing. Allele origin: germline.
Comment: This sequence change replaces threonine with serine at codon 524 of the GALNT12 protein (p.Thr524Ser). The threonine residue is weakly conserved and there is a small physicochemical difference between threonine and serine. This variant is not present in population databases (ExAC no frequency). This variant has not been reported in the literature in individuals with GALNT12-related conditions. Algorithms developed to predict the effect of missense changes on protein structure and function (SIFT, PolyPhen-2, Align-GVGD) all suggest that this variant is likely to be tolerated, but these predictions have not been confirmed by published functional studies and their clinical significance is uncertain. In summary, the available evidence is currently insufficient to determine the role of this variant in disease. Therefore, it has been classified as a Variant of Uncertain Significance.